The following is an entry in ClinVar:

ClinVar aggregate classification (germline): Uncertain significance (1 of 4 stars; one submission).

Conditions:
Cardiovascular phenotype. Identifiers: MedGen CN230736.

Allele frequency attached by ClinVar (database versions not stated): gnomAD exomes below 0.00001.
gnomAD v4.1: 2 of 1,604,486 alleles (0.00012%); highest among the groups gnomAD compares: Non-Finnish European, 0.00017%; no homozygotes.

Submission:

Ambry Genetics
Classification: Uncertain significance for Cardiovascular phenotype. Last evaluated: 2023-03-12. Review status: criteria provided, single submitter. Criteria: Ambry Variant Classification Scheme 2023. Collection method: clinical testing. Allele origin: germline.
Comment: The p.M57I variant (also known as c.171G>A), located in coding exon 2 of the PRDM5 gene, results from a G to A substitution at nucleotide position 171. The methionine at codon 57 is replaced by isoleucine, an amino acid with highly similar properties. This amino acid position is conserved. In addition, the in silico prediction for this alteration is inconclusive. Since supporting evidence is limited at this time, the clinical significance of this alteration remains unclear.

NM_018699.4(PRDM5):c.171G>A (p.Met57Ile)

Gene: PRDM5 (PR/SET domain 5; minus strand). Cytogenetic location: 4q27.
Variant type: single nucleotide variant.
Coding change: c.171G>A on transcript NM_018699.4 (MANE Select); coding-DNA position 171, G replaced by A.
Protein change: p.Met57Ile; replaces methionine 57 with isoleucine.
Molecular consequence: missense variant.
Genome position (GRCh38, 1-based): chr4:120,907,480, C>T on the plus strand (G>A on the coding strand, the complement: PRDM5 is on the minus strand). VCF-style: chr4-120907480-C-T. GRCh37 (hg19) VCF-style: chr4-121828635-C-T.
Other names: c.171G>A, p.Met57Ile (NM_001300823.2, NM_001300824.2, NM_001379104.1 and 1 more transcripts); short protein forms M57I.
Identifiers: ClinVar variation 2450369 (VCV002450369.2), dbSNP rs2479621570, ClinGen allele CA358209533.
Genomic context (GRCh38, chr4:120,907,480, plus strand): 5'-TTAAATGGTACAATACAAATATATTTTTAACATTAAAATAAGTCATATCCTCACCTCCCA[C>T]ATCAACCTGTAATCCATATTTTCATCCAAGTCTTCAGGCATTCTCTTCTCTCCAGCAAAG-3'
Protein context (NP_061169.2, residues 47-67): DLDENMDYRL[Met57Ile]WEVRGSKGEV